The following is an entry in ClinVar:

ClinVar aggregate classification (germline): Conflicting classifications of pathogenicity. Review status: criteria provided, conflicting classifications (1 of 4 stars). 2 submissions from 2 submitters: Uncertain significance (1); Likely benign (1). Last evaluated 2025-08-18.

Conditions:
Inborn genetic diseases. Identifiers: MedGen C0950123, MeSH D030342.

Allele frequency attached by ClinVar (database versions not stated): gnomAD exomes below 0.00001; ExAC 0.00001; gnomAD 0.00001; TOPMed 0.00002.

Submissions (2):

Labcorp Genetics (formerly Invitae), Labcorp
Classification: Uncertain significance. Last evaluated: 2025-08-18. Review status: criteria provided, single submitter. Criteria: Invitae Variant Classification Sherloc (09022015). Collection method: clinical testing. Allele origin: germline.
Comment: This sequence change replaces glutamic acid, which is acidic and polar, with alanine, which is neutral and non-polar, at codon 390 of the KMT2A protein (p.Glu390Ala). This variant is present in population databases (rs782166364, gnomAD 0.005%). This variant has not been reported in the literature in individuals affected with KMT2A-related conditions. ClinVar contains an entry for this variant (Variation ID: 1428830). Invitae Evidence Modeling of protein sequence and biophysical properties (such as structural, functional, and spatial information, amino acid conservation, physicochemical variation, residue mobility, and thermodynamic stability) has been performed for this missense variant. However, the output from this modeling did not meet the statistical confidence thresholds required to predict the impact of this variant on KMT2A protein function. In summary, the available evidence is currently insufficient to determine the role of this variant in disease. Therefore, it has been classified as a Variant of Uncertain Significance.

Ambry Genetics
Classification: Likely benign for Inborn genetic diseases. Last evaluated: 2025-04-11. Review status: criteria provided, single submitter. Criteria: Ambry Variant Classification Scheme 2023. Collection method: clinical testing. Allele origin: germline.

NM_001197104.2(KMT2A):c.1169A>C (p.Glu390Ala)

Gene: KMT2A (lysine methyltransferase 2A; plus strand). Cytogenetic location: 11q23.3.
Variant type: single nucleotide variant.
Coding change: c.1169A>C on transcript NM_001197104.2 (MANE Select); coding-DNA position 1169, A replaced by C.
Protein change: p.Glu390Ala; replaces glutamic acid 390 with alanine.
Molecular consequence: missense variant.
Genome position (GRCh38, 1-based): chr11:118,472,328, A>C. VCF-style: chr11-118472328-A-C. GRCh37 (hg19) VCF-style: chr11-118343043-A-C.
Other names: c.1169A>C, p.Glu390Ala (NM_005933.4); c.1169A>C (NM_001197104.1); short protein forms E390A.
Identifiers: ClinVar variation 1428830 (VCV001428830.7), dbSNP rs782166364, ClinGen allele CA6303372.